The following is an entry in ClinVar:

NM_138576.4(BCL11B):c.2649_2652del (p.Asn884fs)

Gene: BCL11B (BCL11 transcription factor B; minus strand). Cytogenetic location: 14q32.2.
Variant type: Deletion.
Coding change: c.2649_2652del on transcript NM_138576.4 (MANE Select); coding-DNA positions 2649 to 2652, 4 bases deleted (TAAC; older notation c.2649_2652delTAAC).
Protein change: p.Asn884fs; shifts the reading frame from asparagine 884.
Molecular consequence: frameshift variant.
Genome position (GRCh38, 1-based): chr14:99,174,184-99,174,187, GTTA deleted on the plus strand (TAAC on the coding strand, the reverse complement: BCL11B is on the minus strand); deleting any 4 consecutive bases within chr14:99,174,184-99,174,189 gives the same sequence; the c. name uses the placement nearest the transcript's 3' end. VCF-style (leftmost placement, unchanged base first): chr14-99174183-CGTTA-C. GRCh37 (hg19) VCF-style: chr14-99640520-CGTTA-C.
Other names: c.2646_2649del, p.Asn883fs (NM_001282237.2); c.2433_2436del, p.Asn812fs (NM_001282238.2); c.2436_2439del, p.Asn813fs (NM_022898.3); short protein forms N813fs, N883fs, N884fs, N812fs.
Identifiers: ClinVar variation 2862352 (VCV002862352.3), dbSNP rs2503635216, ClinGen allele CA2739280066.
Genomic context (GRCh38, chr14:99,174,183, plus strand): 5'-CAGGTGCGGGGCGCCGGGGCCCGCGCGCTTAGCTCCTCTCGGCCTGCTCGATTTTGACGT[CGTTA>C]GTCAGCAAGTGCTCGCCGTGCCACTTTTTCATGTGTTTCTCCAGGGTGCTGTAGACGCTG-3'

ClinVar aggregate classification (germline): Uncertain significance (1 of 4 stars; one submission).

Submission:

Labcorp Genetics (formerly Invitae), Labcorp
Classification: Uncertain significance. Last evaluated: 2023-05-16. Review status: criteria provided, single submitter. Criteria: Invitae Variant Classification Sherloc (09022015). Collection method: clinical testing. Allele origin: germline.
Comment: In summary, the available evidence is currently insufficient to determine the role of this variant in disease. Therefore, it has been classified as a Variant of Uncertain Significance. Experimental studies and prediction algorithms are not available or were not evaluated, and the functional significance of this variant is currently unknown. This variant has not been reported in the literature in individuals affected with BCL11B-related conditions. This variant is not present in population databases (gnomAD no frequency). This sequence change results in a frameshift in the BCL11B gene (p.Asn884Thrfs*112). While this is not anticipated to result in nonsense mediated decay, it is expected to disrupt the last 11 amino acid(s) of the BCL11B protein and extend the protein by 100 additional amino acid residues.